The following is an entry in ClinVar:

NM_002109.6(HARS1):c.431T>A (p.Leu144Gln)

Gene: HARS1 (histidyl-tRNA synthetase 1; minus strand). Cytogenetic location: 5q31.3.
Variant type: single nucleotide variant.
Coding change: c.431T>A on transcript NM_002109.6 (MANE Select); coding-DNA position 431, T replaced by A.
Protein change: p.Leu144Gln; replaces leucine 144 with glutamine.
Molecular consequence: missense variant. On other transcripts: intron variant (2).
Genome position (GRCh38, 1-based): chr5:140,679,093, A>T on the plus strand (T>A on the coding strand, the complement: HARS1 is on the minus strand). VCF-style: chr5-140679093-A-T. GRCh37 (hg19) VCF-style: chr5-140058678-A-T.
Other names: c.431T>A, p.Leu144Gln (NM_001258041.3); c.311T>A, p.Leu104Gln (NM_001258042.3, NM_001258040.3); c.344T>A, p.Leu115Gln (NM_001289094.2); c.181-1078T>A (NM_001289093.2); c.301-1078T>A (NM_001289092.2); short protein forms L104Q, L115Q, L144Q.
Identifiers: ClinVar variation 999212 (VCV000999212.10), dbSNP rs1408195908, ClinGen allele CA361257219.
Genomic context (GRCh38, chr5:140,679,093, plus strand): 5'-GTCATGGCTGGGTTATCCCGCCGATATACCTTTGCTATGTGGTAGCGTTTAATGTTGGTC[A>T]GTTTATTCATTGCCAAATACCGAGCAAAAGGAACCTGATGACAAAGAGTTAAGGAGAAAG-3'
Protein context (NP_002100.2, residues 134-154): PFARYLAMNK[Leu144Gln]TNIKRYHIAK

ClinVar aggregate classification (germline): Uncertain significance. Review status: criteria provided, multiple submitters, no conflicts (2 of 4 stars). 2 submissions from 2 submitters: Uncertain significance (2). Last evaluated 2025-02-04.

Conditions:
Usher syndrome type 3B. Also called: USHER SYNDROME, TYPE IIIB. Identifiers: MedGen C3281066, MONDO:0013788, OMIM 614504.

Allele frequency attached by ClinVar (database versions not stated): gnomAD exomes below 0.00001 and 0.00001.
gnomAD v4.1: 2 of 1,614,098 alleles (0.00012%); highest among the groups gnomAD compares: Admixed American, 0.0033%; no homozygotes.

Submissions (2):

Labcorp Genetics (formerly Invitae), Labcorp
Classification: Uncertain significance for Usher syndrome type 3B. Last evaluated: 2025-02-04. Review status: criteria provided, single submitter. Criteria: Invitae Variant Classification Sherloc (09022015). Collection method: clinical testing. Allele origin: germline.
Comment: This sequence change replaces leucine, which is neutral and non-polar, with glutamine, which is neutral and polar, at codon 144 of the HARS protein (p.Leu144Gln). This variant is present in population databases (no rsID available, gnomAD 0.006%). This variant has not been reported in the literature in individuals affected with HARS-related conditions. ClinVar contains an entry for this variant (Variation ID: 999212). Invitae Evidence Modeling of protein sequence and biophysical properties (such as structural, functional, and spatial information, amino acid conservation, physicochemical variation, residue mobility, and thermodynamic stability) indicates that this missense variant is not expected to disrupt HARS protein function with a negative predictive value of 80%. In summary, the available evidence is currently insufficient to determine the role of this variant in disease. Therefore, it has been classified as a Variant of Uncertain Significance.

Ambry Genetics
Classification: Uncertain significance. Last evaluated: 2021-05-14. Review status: criteria provided, single submitter. Criteria: Ambry Variant Classification Scheme 2023. Collection method: clinical testing. Allele origin: germline.
Comment: The p.L144Q variant (also known as c.431T>A), located in coding exon 5 of the HARS gene, results from a T to A substitution at nucleotide position 431. The leucine at codon 144 is replaced by glutamine, an amino acid with dissimilar properties. This amino acid position is not well conserved in available vertebrate species. In addition, the in silico prediction for this alteration is inconclusive. Since supporting evidence is limited at this time, the clinical significance of this alteration remains unclear.